The following is an entry in ClinVar:

ClinVar aggregate classification (germline): Uncertain significance (1 of 4 stars; one submission).

Conditions:
Ataxia-telangiectasia syndrome (AT). Also called: Ataxia telangiectasia (A-T); LOUIS-BAR SYNDROME; Cerebello-oculocutaneous telangiectasia; Immunodeficiency with ataxia telangiectasia; Ataxia-telangiectasia, complementation group E; Ataxia-telangiectasia. Identifiers: Orphanet 100, MedGen C0004135, MONDO:0008840, OMIM 208900.

Submission:

Labcorp Genetics (formerly Invitae), Labcorp
Classification: Uncertain significance for Ataxia-telangiectasia syndrome. Last evaluated: 2024-07-08. Review status: criteria provided, single submitter. Criteria: Invitae Variant Classification Sherloc (09022015). Collection method: clinical testing. Allele origin: germline.
Comment: This sequence change replaces glutamine, which is neutral and polar, with histidine, which is basic and polar, at codon 268 of the ATM protein (p.Gln268His). This variant is not present in population databases (gnomAD no frequency). This variant has not been reported in the literature in individuals affected with ATM-related conditions. An algorithm developed to predict the effect of missense changes on protein structure and function (PolyPhen-2) suggests that this variant is likely to be disruptive. In summary, the available evidence is currently insufficient to determine the role of this variant in disease. Therefore, it has been classified as a Variant of Uncertain Significance.

NM_000051.4(ATM):c.804A>T (p.Gln268His)

Gene: ATM (ATM serine/threonine kinase; plus strand). Cytogenetic location: 11q22.3.
Variant type: single nucleotide variant.
Coding change: c.804A>T on transcript NM_000051.4 (MANE Select); coding-DNA position 804, A replaced by T.
Protein change: p.Gln268His; replaces glutamine 268 with histidine.
Molecular consequence: missense variant.
Genome position (GRCh38, 1-based): chr11:108,244,929, A>T. VCF-style: chr11-108244929-A-T. GRCh37 (hg19) VCF-style: chr11-108115656-A-T.
Other names: c.804A>T, p.Gln268His (NM_001351834.2); short protein forms Q268H.
Identifiers: ClinVar variation 3695872 (VCV003695872.2).